The following is an entry in ClinVar:

NM_017934.7(PHIP):c.3171A>G (p.Gln1057=)

Genes: IRAK1BP1 (interleukin 1 receptor associated kinase 1 binding protein 1; plus strand), PHIP (PHIP subunit of CUL4-Ring ligase complex; minus strand). Cytogenetic location: 6q14.1.
Variant type: single nucleotide variant.
Coding change: c.3171A>G on transcript NM_017934.7 (MANE Select); coding-DNA position 3171, A replaced by G.
Protein change: p.Gln1057=; no amino-acid change (glutamine 1057 retained).
Molecular consequence: synonymous variant.
Genome position (GRCh38, 1-based): chr6:78,969,869, T>C on the plus strand (A>G on the coding strand, the complement: PHIP is on the minus strand). VCF-style: chr6-78969869-T-C. GRCh37 (hg19) VCF-style: chr6-79679586-T-C.
Other names: c.3171A>G (NM_017934.6).
Identifiers: ClinVar variation 2100251 (VCV002100251.28), dbSNP rs751576913, ClinGen allele CA3899762.

ClinVar aggregate classification (germline): Likely benign. Review status: criteria provided, multiple submitters, no conflicts (2 of 4 stars). 3 submissions from 3 submitters: Likely benign (2). 1 of the submissions does not count toward it. Last evaluated 2024-11-05.

Conditions:
PHIP-related disorder. Also called: PHIP-related disorders; PHIP-related condition.

Allele frequency attached by ClinVar (database versions not stated): gnomAD 0.00001; ExAC 0.00003.
gnomAD v4.1: 19 of 1,595,192 alleles (0.0012%); highest among the groups gnomAD compares: Admixed American, 0.0034%; no homozygotes.

Submissions (3):

Labcorp Genetics (formerly Invitae), Labcorp
Classification: Likely benign. Last evaluated: 2024-11-05. Review status: criteria provided, single submitter. Criteria: Invitae Variant Classification Sherloc (09022015). Collection method: clinical testing. Allele origin: germline.

CeGaT Center for Human Genetics Tuebingen
Classification: Likely benign. Last evaluated: 2022-10-01. Review status: criteria provided, single submitter. Criteria: CeGaT Center For Human Genetics Tuebingen Variant Classification Criteria Version 2. Collection method: clinical testing. Allele origin: germline. Affected: yes. Observed: 1 variant allele.
Comment: PHIP: BP4, BP7

PreventionGenetics, part of Exact Sciences
Classification: Likely benign for PHIP-related condition. Last evaluated: 2023-01-31. Review status: no assertion criteria provided. Collection method: clinical testing. Allele origin: germline. Not counted in ClinVar's aggregate classification.
Comment: This variant is classified as likely benign based on ACMG/AMP sequence variant interpretation guidelines (Richards et al. 2015 PMID: 25741868, with internal and published modifications).